The following is an entry in ClinVar:

NM_016203.4(PRKAG2):c.1454A>C (p.Lys485Thr)

Gene: PRKAG2 (protein kinase AMP-activated non-catalytic subunit gamma 2; minus strand). Cytogenetic location: 7q36.1.
Variant type: single nucleotide variant.
Coding change: c.1454A>C on transcript NM_016203.4 (MANE Select); coding-DNA position 1454, A replaced by C.
Protein change: p.Lys485Thr; replaces lysine 485 with threonine.
Molecular consequence: missense variant.
Genome position (GRCh38, 1-based): chr7:151,564,208, T>G on the plus strand (A>C on the coding strand, the complement: PRKAG2 is on the minus strand). VCF-style: chr7-151564208-T-G. GRCh37 (hg19) VCF-style: chr7-151261294-T-G.
Other names: c.1322A>C, p.Lys441Thr (NM_001040633.2); c.1079A>C, p.Lys360Thr (NM_001304527.2); c.731A>C, p.Lys244Thr (NM_001304531.2, NM_024429.2); c.1082A>C, p.Lys361Thr (NM_001363698.2); short protein forms K485T, K441T, K244T, K360T, K361T.
Identifiers: ClinVar variation 438860 (VCV000438860.2), dbSNP rs1554453641, ClinGen allele CA370070709.

ClinVar aggregate classification (germline): Uncertain significance (1 of 4 stars; one submission).

Conditions:
Hypertrophic cardiomyopathy 6. Identifiers: MedGen C1833236, MONDO:0010946, OMIM 600858.

Submission:

Institute Of Molecular Biology And Genetics, Federal Almazov National Medical Research Centre
Classification: Uncertain significance for Hypertrophic cardiomyopathy 6. Last evaluated: 2017-05-16. Review status: criteria provided, single submitter. Criteria: ACMG Guidelines, 2015. Collection method: research. Allele origin: germline. Inheritance: Autosomal dominant inheritance. Affected: yes.
Comment: Since the variant is newly described and segregation analysis is not possible, according to ACMG the variant is considered to be VUS at present time point.